The following is an entry in ClinVar:

NM_000384.3(APOB):c.6282C>T (p.Asn2094=)

Gene: APOB (apolipoprotein B; minus strand). Cytogenetic location: 2p24.1.
Variant type: single nucleotide variant.
Coding change: c.6282C>T on transcript NM_000384.3 (MANE Select); coding-DNA position 6282, C replaced by T.
Protein change: p.Asn2094=; no amino-acid change (asparagine 2094 retained).
Molecular consequence: synonymous variant.
Genome position (GRCh38, 1-based): chr2:21,010,586, G>A on the plus strand (C>T on the coding strand, the complement: APOB is on the minus strand). VCF-style: chr2-21010586-G-A. GRCh37 (hg19) VCF-style: chr2-21233458-G-A.
Identifiers: ClinVar variation 1752607 (VCV001752607.8), dbSNP rs753672830, ClinGen allele CA063069.

ClinVar aggregate classification (germline): Likely benign. Review status: criteria provided, multiple submitters, no conflicts (2 of 4 stars). 3 submissions from 3 submitters: Likely benign (3). Last evaluated 2025-10-13.

Conditions:
Familial hypobetalipoproteinemia 1. Also called: APOB-Related Familial Hypobetalipoproteinemia; Hypobetalipoproteinemia, normotriglyceridemic; Acanthocytosis with hypobetalipoproteinemia. Identifiers: MedGen C4551990, MONDO:0014252, OMIM 615558.
Hypercholesterolemia, autosomal dominant, type B (FHCL2). Also called: Hyperlipoproteinemia Type IIb; Familial hypercholesterolemia 2; Familial Hypercholesterolemia Type B; APOLIPOPROTEIN B-100, FAMILIAL DEFECTIVE; APOLIPOPROTEIN B-100, FAMILIAL LIGAND-DEFECTIVE; HYPERCHOLESTEROLEMIA, FAMILIAL, DUE TO LIGAND-DEFECTIVE APOLIPOPROTEIN B. Identifiers: MedGen C1704417, MONDO:0007751, OMIM 144010.
Familial hypercholesterolemia. Also called: Familial hypercholesterolemias; Familial hypercholesterolaemia. Identifiers: MedGen C0020445, MONDO:0005439.
Cardiovascular phenotype. Identifiers: MedGen CN230736.

Allele frequency attached by ClinVar (database versions not stated): gnomAD exomes 0.00001; ExAC 0.00002.
gnomAD v4.1: 17 of 1,613,726 alleles (0.0011%); highest among the groups gnomAD compares: South Asian, 0.0044%; 1 homozygote.

Submissions (3):

Labcorp Genetics (formerly Invitae), Labcorp
Classification: Likely benign for Familial hypobetalipoproteinemia 1; Hypercholesterolemia, autosomal dominant, type B. Last evaluated: 2025-10-13. Review status: criteria provided, single submitter. Criteria: Invitae Variant Classification Sherloc (09022015). Collection method: clinical testing. Allele origin: germline.

GENinCode PLC
Classification: Likely benign for Familial hypercholesterolemia. Last evaluated: 2024-09-30. Review status: criteria provided, single submitter. Criteria: ACMG Guidelines, 2015. Collection method: clinical testing. Allele origin: germline.
Comment: This is a synonymous (silent) variant that is not predicted by SpliceAI to impact splicing. In addition, it occurs at a nucleotide that is not conserved. Therefore this variant has been classified as Likely Benign (BP4, BP7).

Ambry Genetics
Classification: Likely benign for Cardiovascular phenotype. Last evaluated: 2020-10-11. Review status: criteria provided, single submitter. Criteria: Ambry Variant Classification Scheme 2023. Collection method: clinical testing. Allele origin: germline.